The following is an entry in ClinVar:

NM_000429.3(MAT1A):c.646G>C (p.Glu216Gln)

Gene: MAT1A (methionine adenosyltransferase 1A; minus strand). Cytogenetic location: 10q22.3.
Variant type: single nucleotide variant.
Coding change: c.646G>C on transcript NM_000429.3 (MANE Select); coding-DNA position 646, G replaced by C.
Protein change: p.Glu216Gln; replaces glutamic acid 216 with glutamine.
Molecular consequence: missense variant.
Genome position (GRCh38, 1-based): chr10:80,276,498, C>G on the plus strand (G>C on the coding strand, the complement: MAT1A is on the minus strand). VCF-style: chr10-80276498-C-G. GRCh37 (hg19) VCF-style: chr10-82036254-C-G.
Other names: short protein forms E216Q.
Identifiers: ClinVar variation 580628 (VCV000580628.9), dbSNP rs1564646038, ClinGen allele CA377362124.
Genomic context (GRCh38, chr10:80,276,498, plus strand): 5'-GGTACTTGGCCGGCACCACGGCCCTGATGACTTGCTCCTTCAGGGCCCTGCGCATCTCCT[C>G]CAGCGTGATGTCTTCGTTGTGCTGCACAGAGATGACGATGGTGTGGATGCGCACAGGGAT-3'
Protein context (NP_000420.1, residues 206-226): SVQHNEDITL[Glu216Gln]EMRRALKEQV

ClinVar aggregate classification (germline): Uncertain significance (1 of 4 stars; one submission).

Conditions:
Hepatic methionine adenosyltransferase deficiency. Also called: Isolated Persistent Hypermethioninemia; Methionine adenosyltransferase deficiency; MAT I/III DEFICIENCY; Deficiency of methionine adenosyltransferase. Identifiers: Orphanet 168598, MedGen C0268621, MeSH C564683, MONDO:0009607, OMIM 250850.

gnomAD v4.1: 1 of 1,614,170 alleles (0.000062%); highest among the groups gnomAD compares: East Asian, 0.0022%; no homozygotes.

Submission:

Labcorp Genetics (formerly Invitae), Labcorp
Classification: Uncertain significance for Hepatic methionine adenosyltransferase deficiency. Last evaluated: 2018-06-09. Review status: criteria provided, single submitter. Criteria: Invitae Variant Classification Sherloc (09022015). Collection method: clinical testing. Allele origin: germline.
Comment: This variant is not present in population databases (ExAC no frequency). In summary, the available evidence is currently insufficient to determine the role of this variant in disease. Therefore, it has been classified as a Variant of Uncertain Significance. Algorithms developed to predict the effect of missense changes on protein structure and function output the following: SIFT: "Tolerated"; PolyPhen-2: "Benign"; Align-GVGD: "Class C0". The glutamine amino acid residue is found in multiple mammalian species, suggesting that this missense change does not adversely affect protein function. These predictions have not been confirmed by published functional studies and their clinical significance is uncertain. This variant has not been reported in the literature in individuals with MAT1A-related disease. This sequence change replaces glutamic acid with glutamine at codon 216 of the MAT1A protein (p.Glu216Gln). The glutamic acid residue is highly conserved and there is a small physicochemical difference between glutamic acid and glutamine.